The following is an entry in ClinVar:

ClinVar aggregate classification (germline): Uncertain significance. Review status: criteria provided, multiple submitters, no conflicts (2 of 4 stars). 4 submissions from 4 submitters: Uncertain significance (4). Last evaluated 2026-08-18.

Conditions:
Gastrointestinal stromal tumor. Also called: Gastrointestinal stroma tumor; Gastrointestinal stromal tumor, somatic. Identifiers: Orphanet 44890, MedGen C0238198, MeSH D046152, MONDO:0011719, OMIM 606764, HP:0100723.
Hereditary cancer-predisposing syndrome. Also called: Tumor predisposition; Hereditary neoplastic syndrome; Neoplastic Syndromes, Hereditary; Hereditary Cancer Syndrome. Identifiers: Orphanet 140162, MedGen C0027672, MeSH D009386, MONDO:0015356.

Allele frequency attached by ClinVar (database versions not stated): gnomAD exomes 0.00001 and 0.00002; ExAC 0.00002.
gnomAD v4.1: 4 of 1,614,156 alleles (0.00025%); highest among the groups gnomAD compares: Admixed American, 0.0067%; no homozygotes.

Submissions (4):

Ambry Genetics
Classification: Uncertain significance for Hereditary cancer-predisposing syndrome. Last evaluated: 2026-08-18. Review status: criteria provided, single submitter. Criteria: Ambry Variant Classification Scheme 2023. Collection method: clinical testing. Allele origin: germline.
Comment: The p.Q26E variant (also known as c.76C>G), located in coding exon 2 of the KIT gene, results from a C to G substitution at nucleotide position 76. The glutamine at codon 26 is replaced by glutamic acid, an amino acid with highly similar properties. This amino acid position is highly conserved in available vertebrate species. In addition, this alteration is predicted to be tolerated by in silico analysis. Based on the available evidence, the clinical significance of this variant remains unclear.

Labcorp Genetics (formerly Invitae), Labcorp
Classification: Uncertain significance for Gastrointestinal stromal tumor. Last evaluated: 2024-08-27. Review status: criteria provided, single submitter. Criteria: Invitae Variant Classification Sherloc (09022015). Collection method: clinical testing. Allele origin: germline.
Comment: This sequence change replaces glutamine, which is neutral and polar, with glutamic acid, which is acidic and polar, at codon 26 of the KIT protein (p.Gln26Glu). This variant is present in population databases (rs759129060, gnomAD 0.01%). This variant has not been reported in the literature in individuals affected with KIT-related conditions. ClinVar contains an entry for this variant (Variation ID: 835367). An algorithm developed to predict the effect of missense changes on protein structure and function (PolyPhen-2) suggests that this variant is likely to be tolerated. In summary, the available evidence is currently insufficient to determine the role of this variant in disease. Therefore, it has been classified as a Variant of Uncertain Significance.

Baylor Genetics
Classification: Uncertain significance for Gastrointestinal stromal tumor. Last evaluated: 2024-02-21. Review status: criteria provided, single submitter. Criteria: ACMG Guidelines, 2015. Collection method: clinical testing. Allele origin: unknown.

GeneDx
Classification: Uncertain significance. Last evaluated: 2022-04-27. Review status: criteria provided, single submitter. Criteria: GeneDx Variant Classification Process June 2021. Collection method: clinical testing. Allele origin: germline. Affected: yes.
Comment: Not observed at significant frequency in large population cohorts (gnomAD); In silico analysis supports that this missense variant does not alter protein structure/function; Has not been previously published as pathogenic or benign to our knowledge

NM_000222.3(KIT):c.76C>G (p.Gln26Glu)

Gene: KIT (KIT proto-oncogene, receptor tyrosine kinase; plus strand). Cytogenetic location: 4q12.
Variant type: single nucleotide variant.
Coding change: c.76C>G on transcript NM_000222.3 (MANE Select); coding-DNA position 76, C replaced by G.
Protein change: p.Gln26Glu; replaces glutamine 26 with glutamic acid.
Molecular consequence: missense variant.
Genome position (GRCh38, 1-based): chr4:54,695,520, C>G. VCF-style: chr4-54695520-C-G. GRCh37 (hg19) VCF-style: chr4-55561686-C-G.
Other names: c.76C>G, p.Gln26Glu (NM_001385284.1, NM_001385285.1, NM_001385286.1 and 4 more transcripts); short protein forms Q26E.
Identifiers: ClinVar variation 835367 (VCV000835367.12), dbSNP rs759129060, ClinGen allele CA2923151.
Genomic context (GRCh38, chr4:54,695,520, plus strand): 5'-ATTTCGCCAAGGAAGAAGATCATACTCAACACGATTCTGTTTTTCTTGGCAGGCTCTTCT[C>G]AACCATCTGTGAGTCCAGGGGAACCGTCTCCACCATCCATCCATCCAGGAAAATCAGACT-3'
Protein context (NP_000213.1, residues 16-36): LLLRVQTGSS[Gln26Glu]PSVSPGEPSP